The following is an entry in ClinVar:

ClinVar aggregate classification (germline): Uncertain significance (1 of 4 stars; one submission).

Conditions:
Carnitine palmitoyl transferase 1A deficiency. Also called: Carnitine palmitoyltransferase type I deficiency; Carnitine palmitoyltransferase 1A deficiency; CPT deficiency, hepatic, type IA; CPT I DEFICIENCY; CPT DEFICIENCY, HEPATIC, TYPE I. Identifiers: Orphanet 156, MedGen C1829703, MONDO:0009705, OMIM 255120.

Submission:

Labcorp Genetics (formerly Invitae), Labcorp
Classification: Uncertain significance for Carnitine palmitoyl transferase 1A deficiency. Last evaluated: 2021-06-08. Review status: criteria provided, single submitter. Criteria: Invitae Variant Classification Sherloc (09022015). Collection method: clinical testing. Allele origin: germline.
Comment: In summary, the available evidence is currently insufficient to determine the role of this variant in disease. Therefore, it has been classified as a Variant of Uncertain Significance. This sequence change replaces histidine with proline at codon 133 of the CPT1A protein (p.His133Pro). The histidine residue is moderately conserved and there is a moderate physicochemical difference between histidine and proline. This variant is not present in population databases (ExAC no frequency). This variant has not been reported in the literature in individuals with CPT1A-related conditions. Algorithms developed to predict the effect of missense changes on protein structure and function are either unavailable or do not agree on the potential impact of this missense change (SIFT: "Tolerated"; PolyPhen-2: "Possibly Damaging"; Align-GVGD: "Class C0").

NM_001876.4(CPT1A):c.398A>C (p.His133Pro)

Gene: CPT1A (carnitine palmitoyltransferase 1A; minus strand). Cytogenetic location: 11q13.3.
Variant type: single nucleotide variant.
Coding change: c.398A>C on transcript NM_001876.4 (MANE Select); coding-DNA position 398, A replaced by C.
Protein change: p.His133Pro; replaces histidine 133 with proline.
Molecular consequence: missense variant.
Genome position (GRCh38, 1-based): chr11:68,807,522, T>G on the plus strand (A>C on the coding strand, the complement: CPT1A is on the minus strand). VCF-style: chr11-68807522-T-G. GRCh37 (hg19) VCF-style: chr11-68574990-T-G.
Other names: c.398A>C, p.His133Pro (NM_001031847.3); short protein forms H133P.
Identifiers: ClinVar variation 1468670 (VCV001468670.8), dbSNP rs2154000819, ClinGen allele CA381636662.